The following is an entry in ClinVar:

NM_005228.5(EGFR):c.2327G>A (p.Arg776His)

Genes: EGFR-AS1 (EGFR antisense RNA 1; minus strand), EGFR (epidermal growth factor receptor; plus strand). Cytogenetic location: 7p11.2.
Variant type: single nucleotide variant.
Coding change: c.2327G>A on transcript NM_005228.5 (MANE Select); coding-DNA position 2327, G replaced by A.
Protein change: p.Arg776His; replaces arginine 776 with histidine.
Molecular consequence: missense variant. On other transcripts: non-coding transcript variant (1).
Genome position (GRCh38, 1-based): chr7:55,181,336, G>A. VCF-style: chr7-55181336-G-A. GRCh37 (hg19) VCF-style: chr7-55249029-G-A.
Other names: c.2192G>A, p.Arg731His (NM_001346897.2, NM_001346899.2); c.2327G>A, p.Arg776His (NM_001346898.2); c.2168G>A, p.Arg723His (NM_001346900.2); c.1526G>A, p.Arg509His (NM_001346941.2); short protein forms R776H, R509H, R723H, R731H.
Identifiers: ClinVar variation 126515 (VCV000126515.22), dbSNP rs483352806, ClinGen allele CA151166.
Genomic context (GRCh38, chr7:55,181,336, plus strand): 5'-CCTCTCCCTCCCTCCAGGAAGCCTACGTGATGGCCAGCGTGGACAACCCCCACGTGTGCC[G>A]CCTGCTGGGCATCTGCCTCACCTCCACCGTGCAGCTCATCACGCAGCTCATGCCCTTCGG-3'
Protein context (NP_005219.2, residues 766-786): MASVDNPHVC[Arg776His]LLGICLTSTV

ClinVar aggregate classification (germline): Conflicting classifications of pathogenicity. Review status: criteria provided, conflicting classifications (1 of 4 stars). 6 submissions from 6 submitters: Pathogenic (2); Likely pathogenic (1); Uncertain significance (2). 1 of the submissions does not count toward it. Last evaluated 2026-01-26.

Conditions:
Lung cancer. Also called: Lung cancer, somatic; Malignant tumor of lung. Identifiers: MedGen C0242379, MONDO:0008903, OMIM 211980.
Hereditary cancer-predisposing syndrome. Also called: Neoplastic Syndromes, Hereditary; Hereditary Cancer Syndrome; Tumor predisposition; Hereditary neoplastic syndrome. Identifiers: Orphanet 140162, MedGen C0027672, MeSH D009386, MONDO:0015356.
EGFR-related lung cancer (EGFR). Identifiers: MedGen CN130014.
Squamous cell carcinoma of the head and neck (HNSCC). Also called: Squamous cell carcinoma, head and neck, somatic; Head and neck squamous cell carcinoma. Identifiers: Orphanet 67037, MedGen C1168401, MeSH D000077195, MONDO:0010150, OMIM 275355, HP:0020357.

Allele frequency attached by ClinVar (database versions not stated): gnomAD 0.00001; gnomAD exomes below 0.00001; TOPMed below 0.00001.
gnomAD v4.1: 12 of 1,614,052 alleles (0.00074%); highest among the groups gnomAD compares: Non-Finnish European, 0.001%; no homozygotes.

Submissions (6):

Labcorp Genetics (formerly Invitae), Labcorp
Classification: Pathogenic for EGFR-related lung cancer. Last evaluated: 2026-01-26. Review status: criteria provided, single submitter. Criteria: Invitae Variant Classification Sherloc (09022015). Collection method: clinical testing. Allele origin: germline.
Comment: This sequence change replaces arginine, which is basic and polar, with histidine, which is basic and polar, at codon 776 of the EGFR protein (p.Arg776His). The frequency data for this variant in the population databases is considered unreliable, as metrics indicate poor data quality at this position in the gnomAD database. This missense change has been observed in individual(s) with lung cancer (PMID: 23358982, 25969368, 34555730, 36698436; internal data). It has also been observed to segregate with disease in related individuals. ClinVar contains an entry for this variant (Variation ID: 126515). Invitae Evidence Modeling of protein sequence and biophysical properties (such as structural, functional, and spatial information, amino acid conservation, physicochemical variation, residue mobility, and thermodynamic stability) indicates that this missense variant is expected to disrupt EGFR protein function with a positive predictive value of 80%. Experimental studies have shown that this missense change affects EGFR function (PMID: 23358982, 26101090, 28874603). For these reasons, this variant has been classified as Pathogenic.

Ambry Genetics
Classification: Uncertain significance for Hereditary cancer-predisposing syndrome. Last evaluated: 2024-12-04. Review status: criteria provided, single submitter. Criteria: Ambry Variant Classification Scheme 2023. Collection method: clinical testing. Allele origin: germline.
Comment: The p.R776H variant (also known as c.2327G>A), located in coding exon 20 of the EGFR gene, results from a G to A substitution at nucleotide position 2327. The arginine at codon 776 is replaced by histidine, an amino acid with highly similar properties. This variant has been identified in the germline of individuals with a personal and/or family history of lung cancer (van Noesel J et al. J. Clin. Oncol. 2013 Apr;31:e161-4; Belardinilli F et al. Int. J. Biol. Markers. 2018 Jun;:1724600818782200; Li D et al. Onco Targets Ther, 2023 Jan;16:17-22; Wang T et al. Respir Med Case Rep, 2024 May;50:102051; Petrini I et al. Clin Lung Cancer, 2024 Jul;25:e238-e242). Functional studies have shown that this alteration leads to constitutive EGFR activation and catalytic activity in the absence of ligand (van Noesel J et al. J. Clin. Oncol. 2013 Apr;31:e161-4; McSkimming DI et al. Hum. Mutat. 2015 Feb;36:175-86; Ruan Z et al. Biochemistry. 2015 Jul;54:4216-25). This amino acid position is highly conserved in available vertebrate species. In addition, this alteration is predicted to be deleterious by in silico analysis. Based on the available evidence, the clinical significance of this variant remains unclear.

Myriad Genetics, Inc.
Classification: Likely pathogenic for Lung cancer. Last evaluated: 2022-12-29. Review status: criteria provided, single submitter. Criteria: Myriad Autosomal Dominant, Autosomal Recessive and X-Linked Classification Criteria (2023). Collection method: clinical testing. Allele origin: unknown.
Comment: This variant is considered likely pathogenic. Functional studies indicate this variant impacts protein function [PMID: 23358982, 25382819, 26101090]. This variant has been reported in multiple individuals with clinical features of gene-specific disease [PMID: 23358982, 34555730, 29945477, 29576263, 33898318].

Thoracic Oncology Program, Dana-Farber Cancer Institute
Classification: Pathogenic for EGFR-related lung cancer. Last evaluated: 2022-11-17. Review status: criteria provided, single submitter. Criteria: LMM Variant Assessment Principles 10.8.14. Collection method: clinical testing. Allele origin: germline. Inheritance: Autosomal dominant inheritance. Affected: yes. Observed: 11 variant alleles, 11 heterozygotes. Clinical features observed: Non-small cell lung carcinoma (HP:0030358), Pulmonary nodule (HP:0033608).
Comment: Here we report a family of germline EGFR R776H carriers with highly penetrant non-small cell lung cancer (NSCLC) and lung nodules in multiple generations. The EGFR R776H variant was confirmed to be present and segregated with lung cancer in all affected family members (n=4) and also with lung nodules in additional family members (n=4). The EGFR R776H germline mutation has also been reported in additional families with high incidence of multiple primary lung cancers (van Noesel et al, J Clin Oncol 2013;31:e161-4) and segregated with lung cancer in affected family members. This variant is present in public databases at frequency of 0.000003979 (gnomAD v2.1.1) and 0.000006570 (gnomAD v3.1.2), and not present in individuals of East Asian ancestry. The gain-of-function R776H variant has been reported as an activating oncogenic driver in EGFR-mutant lung cancer, often co-existing with additional somatic EGFR mutations EGFR L858R and EGFR G719A/S, and responsive to EGFR tyrosine kinase inhibitors (Gaili et al, Journal of Clinical Oncology 2021 39:15_suppl, e21001-e21001). Additional studies detecting the EGFR R776H somatic variant in EGFR-related NSCLC exist (Guo T, Zhu L, Li W, Lin R, Ding Y, Kang Q, Shao L, Li C, Pan X. Two cases of non-small cell lung cancer patients with somatic or germline EGFR R776H mutation. Lung Cancer. 2021 Nov;161:94-97, He SY, Lin QF, Chen J, Yu GP, Zhang JL, Shen D. Efficacy of afatinib in a patient with rare EGFR (G724S/R776H) mutations and amplification in lung adenocarcinoma: A case report. World J Clin Cases. 2021 Feb 26;9(6):1329-1335). In vitro studies have found the R776H EGFR mutation in the αC-β4 loop of the tyrosine kinase domain to activate EGFR in the absence of the activating EGF ligand, supporting evidence for a gain-of-function variant (Ruan Z, Kannan N. Mechanistic Insights into R776H Mediated Activation of Epidermal Growth Factor Receptor Kinase. Biochemistry. 2015 Jul 14;54(27):4216-25, Ruan Z, Kannan N. Altered conformational landscape and dimerization dependency underpins the activation of EGFR by αC-β4 loop insertion mutations. Proc Natl Acad Sci U S A. 2018 Aug 28;115(35):E8162-E8171, and van Noesel et al 2013). In summary, the EGFR Arg776His variant meets our criteria to be classified as pathogenic based upon segregation studies, relative absence from controls, and functional evidence. Using criteria from PMID 25741868, this variant meets criteria for Pathogenic (PS3 and PM1, PM2, and PP1, PP2, PP4).

Laboratory for Molecular Medicine, Mass General Brigham Personalized Medicine
Classification: Uncertain significance for Hereditary cancer-predisposing syndrome. Last evaluated: 2017-04-21. Review status: criteria provided, single submitter. Criteria: ACMG Guidelines, 2015. Collection method: clinical testing. Allele origin: germline.
Comment: The p.Arg776His variant in EGFR has been reported in 10 lung carcinomas, at least 9 of which had another known driver EGFR variant (Arcila et al. 2013, Imielinski et al. 2012, Kobayashi et al. 2013, Lim et al. 2009, Lin et al. 2014, Peng et al. 2014, Sequist et al. 2007, van Noesel et al. 2013, Wu et al. 2008). In 1 of these individuals, the p.Arg776His variant was confirmed to be present in the germline, and it segregated with lung cancer in 1 affected relative (van Noesel et al. 2013). This variant was absent from large population studies. In vitro functional studies provide some evidence that the p.Arg776His variant may impact protein function (van Noesel et al. 2013 and Ruan et al. 2015); however, these types of assays may not accurately represent biological function. Computational prediction tools and conservation analysis suggest that the p.Arg776His variant may impact the protein, though this information is not predictive enough to determine pathogenicity. In summary, while there is some suspicion for a pathogenic role, the clinical significance of the p.Arg776His variant is uncertain.

Genetics, Bhagwan Mahavir Medical Research Centre
Classification: drug response for Squamous cell carcinoma of the head and neck. Review status: no assertion criteria provided. Collection method: not provided. Allele origin: unknown. Not counted in ClinVar's aggregate classification.
ClinVar note: Converted during submission from drug-response to drug response.

Literature cited by the submitters: PubMed 23358982 (cited by 5 submitters); PubMed 25969368 (cited by Labcorp Genetics (formerly Invitae), Labcorp); PubMed 34555730 (cited by 3 submitters); PubMed 36698436 (cited by Labcorp Genetics (formerly Invitae), Labcorp and Ambry Genetics); PubMed 26101090 (cited by 5 submitters); PubMed 28874603 (cited by Labcorp Genetics (formerly Invitae), Labcorp and Thoracic Oncology Program, Dana-Farber Cancer Institute); PubMed 23242437 (cited by Ambry Genetics and Laboratory for Molecular Medicine, Mass General Brigham Personalized Medicine); PubMed 25382819 (cited by Ambry Genetics and Myriad Genetics, Inc.); PubMed 29945477 (cited by Ambry Genetics and Myriad Genetics, Inc.); PubMed 38729783 (cited by Ambry Genetics); PubMed 38868164 (cited by Ambry Genetics); PubMed 29576263 (cited by Myriad Genetics, Inc.); PubMed 33898318 (cited by Myriad Genetics, Inc.); DOI 10.1200/JCO.2021.39.15_suppl.e21001 (cited by Thoracic Oncology Program, Dana-Farber Cancer Institute); PubMed 33644199 (cited by Thoracic Oncology Program, Dana-Farber Cancer Institute); PubMed 17285735 (cited by Laboratory for Molecular Medicine, Mass General Brigham Personalized Medicine); PubMed 19060236 (cited by Laboratory for Molecular Medicine, Mass General Brigham Personalized Medicine); PubMed 23371856 (cited by Laboratory for Molecular Medicine, Mass General Brigham Personalized Medicine); PubMed 22980975 (cited by Laboratory for Molecular Medicine, Mass General Brigham Personalized Medicine); PubMed 19096301 (cited by Laboratory for Molecular Medicine, Mass General Brigham Personalized Medicine); PubMed 25130612 (cited by Laboratory for Molecular Medicine, Mass General Brigham Personalized Medicine); PubMed 24788590 (cited by Laboratory for Molecular Medicine, Mass General Brigham Personalized Medicine).